The following is an entry in ClinVar:

ClinVar aggregate classification (germline): Likely benign. Review status: criteria provided, multiple submitters, no conflicts (2 of 4 stars). 3 submissions from 3 submitters: Likely benign (3). Last evaluated 2026-06-01.

Conditions:
Inborn genetic diseases. Identifiers: MedGen C0950123, MeSH D030342.

Allele frequency attached by ClinVar (database versions not stated): gnomAD exomes 0.00023; gnomAD 0.00054; TOPMed 0.00068; ExAC 0.00081; 1000 Genomes Project 30x 0.00172; 1000 Genomes Project 0.00180.
gnomAD v4.1: 539 of 1,614,006 alleles (0.033%); highest among the groups gnomAD compares: East Asian, 0.58%; 3 homozygotes.

Submissions (3):

CeGaT Center for Human Genetics Tuebingen
Classification: Likely benign. Last evaluated: 2026-06-01. Review status: criteria provided, single submitter. Criteria: CeGaT Center For Human Genetics Tuebingen Variant Classification Criteria Version 2. Collection method: clinical testing. Allele origin: germline. Affected: yes. Observed: 1 variant allele.
Comment: FLG: BP4

Blueprint Genetics
Classification: Likely benign. Last evaluated: 2024-10-22. Review status: criteria provided, single submitter. Criteria: ACMG Guidelines, 2015. Collection method: clinical testing. Allele origin: germline.

Ambry Genetics
Classification: Likely benign for Inborn genetic diseases. Last evaluated: 2021-06-22. Review status: criteria provided, single submitter. Criteria: Ambry Variant Classification Scheme 2023. Collection method: clinical testing. Allele origin: germline.

NM_002016.2(FLG):c.2921C>T (p.Ala974Val)

Genes: CCDST (cervical cancer associated DHX9 suppressive transcript; plus strand), FLG (filaggrin; minus strand). Cytogenetic location: 1q21.3.
Variant type: single nucleotide variant.
Coding change: c.2921C>T on transcript NM_002016.2 (MANE Select); coding-DNA position 2921, C replaced by T.
Protein change: p.Ala974Val; replaces alanine 974 with valine.
Molecular consequence: missense variant.
Genome position (GRCh38, 1-based): chr1:152,311,965, G>A on the plus strand (C>T on the coding strand, the complement: FLG is on the minus strand). VCF-style: chr1-152311965-G-A. GRCh37 (hg19) VCF-style: chr1-152284441-G-A.
Other names: short protein forms A974V.
Identifiers: ClinVar variation 2364037 (VCV002364037.5), dbSNP rs143643121, ClinGen allele CA1106926.